The following is an entry in ClinVar:

ClinVar aggregate classification (germline): Uncertain significance. Review status: criteria provided, multiple submitters, no conflicts (2 of 4 stars). 5 submissions from 5 submitters: Uncertain significance (4). 1 of the submissions does not count toward it. Last evaluated 2026-01-27.

Conditions:
Dyskeratosis congenita, autosomal recessive 5 (DKCB5). Identifiers: MedGen C3554656, MONDO:0014076, OMIM 615190.
Pulmonary fibrosis and/or bone marrow failure, Telomere-related, 3. Also called: PULMONARY FIBROSIS AND/OR BONE MARROW FAILURE SYNDROME, TELOMERE-RELATED, 3. Identifiers: Orphanet 2032, MedGen C4225346, MONDO:0014613, OMIM 616373.
Inborn genetic diseases. Identifiers: MedGen C0950123, MeSH D030342.
Dyskeratosis congenita. Identifiers: Orphanet 1775, MedGen C0265965, MONDO:0015780.
RTEL1-related disorder. Also called: RTEL1-related condition; RTEL1-related disorders.

Allele frequency attached by ClinVar (database versions not stated): gnomAD 0.00004 and 0.00005; ExAC 0.00005; gnomAD exomes 0.00006; TOPMed 0.00010; ESP Exome Variant Server 0.00015.
gnomAD v4.1: 97 of 1,611,474 alleles (0.006%); highest among the groups gnomAD compares: Middle Eastern, 0.017%; no homozygotes.

Submissions (5):

Labcorp Genetics (formerly Invitae), Labcorp
Classification: Uncertain significance for Dyskeratosis congenita, autosomal recessive 5; Pulmonary fibrosis and/or bone marrow failure, Telomere-related, 3. Last evaluated: 2026-01-27. Review status: criteria provided, single submitter. Criteria: Invitae Variant Classification Sherloc (09022015). Collection method: clinical testing. Allele origin: germline.
Comment: This sequence change replaces alanine, which is neutral and non-polar, with valine, which is neutral and non-polar, at codon 301 of the RTEL1 protein (p.Ala301Val). This variant is present in population databases (rs373849709, gnomAD 0.01%). This variant has not been reported in the literature in individuals affected with RTEL1-related conditions. ClinVar contains an entry for this variant (Variation ID: 968660). An algorithm developed to predict the effect of missense changes on protein structure and function outputs the following: PolyPhen-2: "Benign". The valine amino acid residue is found in multiple mammalian species, which suggests that this missense change does not adversely affect protein function. In summary, the available evidence is currently insufficient to determine the role of this variant in disease. Therefore, it has been classified as a Variant of Uncertain Significance.

Women's Health and Genetics/Laboratory Corporation of America, LabCorp
Classification: Uncertain significance. Last evaluated: 2025-01-23. Review status: criteria provided, single submitter. Criteria: LabCorp Variant Classification Summary - May 2015. Collection method: clinical testing. Allele origin: germline.
Comment: Variant summary: RTEL1 c.974C>T (p.Ala325Val) results in a non-conservative amino acid change located in the RTEL1 helicase, ARCH domain of the encoded protein sequence. Four of five in-silico tools predict a benign effect of the variant on protein function. The variant allele was found at a frequency of 6e-05 in 249090 control chromosomes. This frequency is not significantly higher than estimated for a pathogenic variant in RTEL1 causing Dyskeratosis Congenita (Hoyeraal Hreidarsson Syndrome) (6e-05 vs 0.0011), allowing no conclusion about variant significance. To our knowledge, no occurrence of c.974C>T in individuals affected with Dyskeratosis Congenita (Hoyeraal Hreidarsson Syndrome) and no experimental evidence demonstrating its impact on protein function have been reported. ClinVar contains an entry for this variant (Variation ID: 968660). Based on the evidence outlined above, the variant was classified as uncertain significance.

PreventionGenetics, part of Exact Sciences
Classification: Uncertain significance for RTEL1-related condition. Last evaluated: 2024-12-14. Review status: criteria provided, single submitter. Criteria: ACMG Guidelines, 2015. Collection method: clinical testing. Allele origin: germline.
Comment: The RTEL1 c.974C>T variant is predicted to result in the amino acid substitution p.Ala325Val. To our knowledge, this variant has not been reported in the literature. This variant is reported in 0.011% of alleles in individuals of European (Non-Finnish) descent in gnomAD. At this time, the clinical significance of this variant is uncertain due to the absence of conclusive functional and genetic evidence.

Ambry Genetics
Classification: Uncertain significance for Inborn genetic diseases. Last evaluated: 2021-12-02. Review status: criteria provided, single submitter. Criteria: Ambry Variant Classification Scheme 2023. Collection method: clinical testing. Allele origin: germline.
Comment: The p.A325V variant (also known as c.974C>T), located in coding exon 9 of the RTEL1 gene, results from a C to T substitution at nucleotide position 974. The alanine at codon 325 is replaced by valine, an amino acid with similar properties. This amino acid position is conserved. In addition, this alteration is predicted to be tolerated by in silico analysis. Since supporting evidence is limited at this time, the clinical significance of this alteration remains unclear.

Natera, Inc.
Classification: Uncertain significance for Dyskeratosis congenita. Last evaluated: 2020-10-07. Review status: no assertion criteria provided. Collection method: clinical testing. Allele origin: germline. Not counted in ClinVar's aggregate classification.

NM_001283009.2(RTEL1):c.902C>T (p.Ala301Val)

Genes: RTEL1 (regulator of telomere elongation helicase 1; plus strand), RTEL1-TNFRSF6B (RTEL1-TNFRSF6B readthrough (NMD candidate); plus strand). Cytogenetic location: 20q13.33.
Variant type: single nucleotide variant.
Coding change: c.902C>T on transcript NM_001283009.2 (MANE Select); coding-DNA position 902, C replaced by T.
Protein change: p.Ala301Val; replaces alanine 301 with valine.
Molecular consequence: missense variant. On other transcripts: non-coding transcript variant (1).
Genome position (GRCh38, 1-based): chr20:63,674,076, C>T. VCF-style: chr20-63674076-C-T. GRCh37 (hg19) VCF-style: chr20-62305429-C-T.
Other names: c.233C>T, p.Ala78Val (NM_001283010.1); c.902C>T, p.Ala301Val (NM_016434.4); c.974C>T, p.Ala325Val (NM_032957.5); c.974C>T (NM_032957.4); short protein forms A301V, A325V, A78V.
Identifiers: ClinVar variation 968660 (VCV000968660.14), dbSNP rs373849709, ClinGen allele CA9964480.